The following is an entry in ClinVar:

ClinVar aggregate classification (germline): Uncertain significance (1 of 4 stars; one submission).

gnomAD v4.1: 7 of 1,614,030 alleles (0.00043%); highest among the groups gnomAD compares: Non-Finnish European, 0.00059%; no homozygotes.

Submission:

Labcorp Genetics (formerly Invitae), Labcorp
Classification: Uncertain significance. Last evaluated: 2026-01-11. Review status: criteria provided, single submitter. Criteria: Invitae Variant Classification Sherloc (09022015). Collection method: clinical testing. Allele origin: germline.
Comment: This sequence change replaces histidine, which is basic and polar, with arginine, which is basic and polar, at codon 483 of the CETP protein (p.His483Arg). This variant is present in population databases (rs780180515, gnomAD 0.004%). This missense change has been observed in individual(s) with dyslipidemia (PMID: 32041611). An algorithm developed to predict the effect of missense changes on protein structure and function (PolyPhen-2) suggests that this variant is likely to be disruptive. In summary, the available evidence is currently insufficient to determine the role of this variant in disease. Therefore, it has been classified as a Variant of Uncertain Significance.

Literature cited by the submitters: PubMed 32041611.

NM_000078.3(CETP):c.1448A>G (p.His483Arg)

Gene: CETP (cholesteryl ester transfer protein; plus strand). Cytogenetic location: 16q13.
Variant type: single nucleotide variant.
Coding change: c.1448A>G on transcript NM_000078.3 (MANE Select); coding-DNA position 1448, A replaced by G.
Protein change: p.His483Arg; replaces histidine 483 with arginine.
Molecular consequence: missense variant.
Genome position (GRCh38, 1-based): chr16:56,983,632, A>G. VCF-style: chr16-56983632-A-G. GRCh37 (hg19) VCF-style: chr16-57017544-A-G.
Other names: c.1268A>G, p.His423Arg (NM_001286085.2); short protein forms H423R, H483R.
Identifiers: ClinVar variation 4696938 (VCV004696938.1).
Genomic context (GRCh38, chr16:56,983,632, plus strand): 5'-CCTACTGCCCCTCCCTTCAGGGCTTCCTGCTGCTGCAGATGGACTTTGGCTTCCCTGAGC[A>G]CCTGCTGGTGGATTTCCTCCAGAGCTTGAGCTAGAAGTCTCCAAGGAGGTCGGGATGGGG-3'
Protein context (NP_000069.2, residues 473-493): LLQMDFGFPE[His483Arg]LLVDFLQSLS